The following is an entry in ClinVar:

ClinVar aggregate classification (germline): Uncertain significance (1 of 4 stars; one submission).

Conditions:
Autosomal recessive spinocerebellar ataxia 20. Identifiers: Orphanet 397709, MedGen C5190595, MONDO:0014601, OMIM 616354.

Allele frequency attached by ClinVar (database versions not stated): gnomAD 0.00001; gnomAD exomes 0.00001 and 0.00002; TOPMed 0.00002; ExAC 0.00005.
gnomAD v4.1: 18 of 1,611,484 alleles (0.0011%); highest among the groups gnomAD compares: East Asian, 0.0022%; no homozygotes.

Submission:

Baylor Genetics
Classification: Uncertain significance for Autosomal recessive spinocerebellar ataxia 20. Last evaluated: 2020-04-05. Review status: criteria provided, single submitter. Criteria: ACMG Guidelines, 2015. Collection method: clinical testing. Allele origin: unknown. Affected: yes.
Comment: This variant was determined to be of uncertain significance according to ACMG Guidelines, 2015 [PMID:25741868].

NM_153816.6(SNX14):c.131T>C (p.Leu44Pro)

Gene: SNX14 (sorting nexin 14; minus strand). Cytogenetic location: 6q14.3.
Variant type: single nucleotide variant.
Coding change: c.131T>C on transcript NM_153816.6 (MANE Select); coding-DNA position 131, T replaced by C.
Protein change: p.Leu44Pro; replaces leucine 44 with proline.
Molecular consequence: missense variant. On other transcripts: 5 prime UTR variant (5), non-coding transcript variant (4), intron variant (9).
Genome position (GRCh38, 1-based): chr6:85,593,588, A>G on the plus strand (T>C on the coding strand, the complement: SNX14 is on the minus strand). VCF-style: chr6-85593588-A-G. GRCh37 (hg19) VCF-style: chr6-86303306-A-G.
Other names: c.131T>C, p.Leu44Pro (NM_001297614.3, NM_001350532.2, NM_001350533.2 and 8 more transcripts); c.-270T>C (NM_001350545.2); c.-889T>C (NM_001350548.2); c.-1021T>C (NM_001350550.2); c.-936T>C (NM_001350551.2); c.-1053T>C (NM_001350552.2); c.-17+246T>C (NM_001350543.2, NM_001350539.2, NM_001350542.2 and 2 more transcripts); c.-261+246T>C (NM_001350546.2); and 2 more; short protein forms L44P.
Identifiers: ClinVar variation 1031242 (VCV001031242.1), dbSNP rs777542453, ClinGen allele CA3912557.